The following is an entry in ClinVar:

NM_001378414.1(HDAC4):c.1736G>A (p.Arg579Gln)

Gene: HDAC4 (histone deacetylase 4; minus strand). Cytogenetic location: 2q37.3.
Variant type: single nucleotide variant.
Coding change: c.1736G>A on transcript NM_001378414.1 (MANE Select); coding-DNA position 1736, G replaced by A.
Protein change: p.Arg579Gln; replaces arginine 579 with glutamine.
Molecular consequence: missense variant.
Genome position (GRCh38, 1-based): chr2:239,115,108, C>T on the plus strand (G>A on the coding strand, the complement: HDAC4 is on the minus strand). VCF-style: chr2-239115108-C-T. GRCh37 (hg19) VCF-style: chr2-240036804-C-T.
Other names: c.1736G>A, p.Arg579Gln (NM_001378415.1); c.1721G>A, p.Arg574Gln (NM_001378416.1, NM_001378417.1, NM_006037.4); short protein forms R579Q, R574Q.
Identifiers: ClinVar variation 3283684 (VCV003283684.3).

ClinVar aggregate classification (germline): Uncertain significance. Review status: criteria provided, multiple submitters, no conflicts (2 of 4 stars). 2 submissions from 2 submitters: Uncertain significance (2). Last evaluated 2024-10-22.

Conditions:
Inborn genetic diseases. Identifiers: MedGen C0950123, MeSH D030342.

gnomAD v4.1: 32 of 1,611,706 alleles (0.002%); highest among the groups gnomAD compares: Middle Eastern, 0.016%; no homozygotes.

Submissions (2):

Labcorp Genetics (formerly Invitae), Labcorp
Classification: Uncertain significance. Last evaluated: 2024-10-22. Review status: criteria provided, single submitter. Criteria: Invitae Variant Classification Sherloc (09022015). Collection method: clinical testing. Allele origin: germline.
Comment: This sequence change replaces arginine, which is basic and polar, with glutamine, which is neutral and polar, at codon 574 of the HDAC4 protein (p.Arg574Gln). This variant is present in population databases (rs746827249, gnomAD 0.01%). This variant has not been reported in the literature in individuals affected with HDAC4-related conditions. An algorithm developed to predict the effect of missense changes on protein structure and function outputs the following: PolyPhen-2: "Benign". The glutamine amino acid residue is found in multiple mammalian species, which suggests that this missense change does not adversely affect protein function. In summary, the available evidence is currently insufficient to determine the role of this variant in disease. Therefore, it has been classified as a Variant of Uncertain Significance.

Ambry Genetics
Classification: Uncertain significance for Inborn genetic diseases. Last evaluated: 2024-04-18. Review status: criteria provided, single submitter. Criteria: Ambry Variant Classification Scheme 2023. Collection method: clinical testing. Allele origin: germline.